The following is an entry in ClinVar:

NM_152309.3(PIK3AP1):c.280C>T (p.Pro94Ser)

Gene: PIK3AP1 (phosphoinositide-3-kinase adaptor protein 1; minus strand). Cytogenetic location: 10q24.1.
Variant type: single nucleotide variant.
Coding change: c.280C>T on transcript NM_152309.3 (MANE Select); coding-DNA position 280, C replaced by T.
Protein change: p.Pro94Ser; replaces proline 94 with serine.
Molecular consequence: missense variant.
Genome position (GRCh38, 1-based): chr10:96,709,717, G>A on the plus strand (C>T on the coding strand, the complement: PIK3AP1 is on the minus strand). VCF-style: chr10-96709717-G-A. GRCh37 (hg19) VCF-style: chr10-98469474-G-A.
Other names: short protein forms P94S.
Identifiers: ClinVar variation 664673 (VCV000664673.8), dbSNP rs1469971703, ClinGen allele CA377759547.
Genomic context (GRCh38, chr10:96,709,717, plus strand): 5'-AGTCTAGGAACTCCTCGCTGTCCCGCACGCCGCAGAGCAGCCTGACCACGCGGTGCGGAG[G>A]ATGGAAAGCTCTCTGCAGCAGGGGCAGCAAGGCGGGCTTGTGGAAGTGCTGCACCAGCTC-3'
Protein context (NP_689522.2, residues 84-104): LLPLLQRAFH[Pro94Ser]PHRVVRLLCG

ClinVar aggregate classification (germline): Uncertain significance (1 of 4 stars; one submission).

Conditions:
Infantile spasms. Also called: Infantile spasm. Identifiers: MedGen C3887898, HP:0012469.

Allele frequency attached by ClinVar (database versions not stated): gnomAD exomes 0.00001 and 0.00002; TOPMed 0.00001; gnomAD 0.00002.
gnomAD v4.1: 36 of 1,614,110 alleles (0.0022%); highest among the groups gnomAD compares: Non-Finnish European, 0.0028%; no homozygotes.

Submission:

Labcorp Genetics (formerly Invitae), Labcorp
Classification: Uncertain significance for Infantile spasms. Last evaluated: 2018-12-15. Review status: criteria provided, single submitter. Criteria: Invitae Variant Classification Sherloc (09022015). Collection method: clinical testing. Allele origin: germline.
Comment: This variant is not present in population databases (ExAC no frequency). In summary, the available evidence is currently insufficient to determine the role of this variant in disease. Therefore, it has been classified as a Variant of Uncertain Significance. Algorithms developed to predict the effect of missense changes on protein structure and function are either unavailable or do not agree on the potential impact of this missense change (SIFT: "Tolerated"; PolyPhen-2: "Possibly Damaging"; Align-GVGD: "Class C0"). This variant has not been reported in the literature in individuals with PIK3AP1-related conditions. This sequence change replaces proline with serine at codon 94 of the PIK3AP1 protein (p.Pro94Ser). The proline residue is moderately conserved and there is a moderate physicochemical difference between proline and serine.